The following is an entry in ClinVar:

NM_001243133.2(NLRP3):c.1505G>A (p.Arg502Lys)

Gene: NLRP3 (NLR family pyrin domain containing 3; plus strand). Cytogenetic location: 1q44.
Variant type: single nucleotide variant.
Coding change: c.1505G>A on transcript NM_001243133.2 (MANE Select); coding-DNA position 1505, G replaced by A.
Protein change: p.Arg502Lys; replaces arginine 502 with lysine.
Molecular consequence: missense variant.
Genome position (GRCh38, 1-based): chr1:247,424,954, G>A. VCF-style: chr1-247424954-G-A. GRCh37 (hg19) VCF-style: chr1-247588256-G-A.
Other names: c.1505G>A, p.Arg502Lys (NM_001079821.3, NM_001127461.3, NM_001127462.3 and 1 more transcripts); c.1511G>A, p.Arg504Lys (NM_004895.5); short protein forms R502K, R504K.
Identifiers: ClinVar variation 3901636 (VCV003901636.1).
Genomic context (GRCh38, chr1:247,424,954, plus strand): 5'-TTGAGGAGTCCGACCTCAGGAATCATGGACTGCAGAAGGCGGATGTGTCTGCTTTCCTGA[G>A]GATGAACCTGTTCCAAAAGGAAGTGGACTGCGAGAAGTTCTACAGCTTCATCCACATGAC-3'
Protein context (NP_001230062.1, residues 492-512): LQKADVSAFL[Arg502Lys]MNLFQKEVDC

ClinVar aggregate classification (germline): Uncertain significance (1 of 4 stars; one submission).

Submission:

GeneDx
Classification: Uncertain significance. Last evaluated: 2024-12-04. Review status: criteria provided, single submitter. Criteria: GeneDx Variant Classification Process June 2021. Collection method: clinical testing. Allele origin: germline. Affected: yes.
Comment: Not observed at significant frequency in large population cohorts (gnomAD); In silico analysis indicates that this missense variant does not alter protein structure/function; Has not been previously published as pathogenic or benign to our knowledge; Also known as R502K; This variant is associated with the following publications: (PMID: 19302049)